The following is an entry in ClinVar:

ClinVar aggregate classification (germline): Uncertain significance (1 of 4 stars; one submission).

Conditions:
GREB1L-related disorder. Also called: GREB1L-related condition.

gnomAD v4.1: 8 of 1,551,466 alleles (0.00052%); highest among the groups gnomAD compares: Admixed American, 0.002%; no homozygotes.

Submission:

PreventionGenetics, part of Exact Sciences
Classification: Uncertain significance for GREB1L-related condition. Last evaluated: 2026-07-23. Review status: criteria provided, single submitter. Criteria: ACMG Guidelines, 2015. Collection method: clinical testing. Allele origin: germline.
Comment: The GREB1L c.1513G>A variant is predicted to result in the amino acid substitution p.Gly505Arg. To our knowledge, this variant has not been reported in the literature. This variant is reported in 0.0017% of alleles in individuals of European (Non-Finnish) descent in gnomAD. At this time, the clinical significance of this variant is uncertain due to the absence of conclusive functional and genetic evidence.

NM_001142966.3(GREB1L):c.1513G>A (p.Gly505Arg)

Genes: GREB1L (GREB1 like retinoic acid receptor coactivator; plus strand), GREB1L-AS1 (GREB1L antisense RNA 1; minus strand). Cytogenetic location: 18q11.1.
Variant type: single nucleotide variant.
Coding change: c.1513G>A on transcript NM_001142966.3 (MANE Select); coding-DNA position 1513, G replaced by A.
Protein change: p.Gly505Arg; replaces glycine 505 with arginine.
Molecular consequence: missense variant. On other transcripts: intron variant (1).
Genome position (GRCh38, 1-based): chr18:21,449,629, G>A. VCF-style: chr18-21449629-G-A. GRCh37 (hg19) VCF-style: chr18-19029590-G-A.
Other names: c.1642G>A, p.Gly548Arg (NM_001410867.1); c.1394-1394G>A (NM_001410868.1); short protein forms G505R, G548R.
Identifiers: ClinVar variation 4979053 (VCV004979053.1).